The following is an entry in ClinVar:

NM_020529.3(NFKBIA):c.952T>C (p.Ter318Arg)

Gene: NFKBIA (NFKB inhibitor alpha; minus strand). Cytogenetic location: 14q13.2.
Variant type: single nucleotide variant.
Coding change: c.952T>C on transcript NM_020529.3 (MANE Select); coding-DNA position 952, T replaced by C.
Protein change: p.Ter318Arg.
Molecular consequence: stop lost.
Genome position (GRCh38, 1-based): chr14:35,402,015, A>G on the plus strand (T>C on the coding strand, the complement: NFKBIA is on the minus strand). VCF-style: chr14-35402015-A-G. GRCh37 (hg19) VCF-style: chr14-35871221-A-G.
Identifiers: ClinVar variation 4729962 (VCV004729962.1).

ClinVar aggregate classification (germline): Uncertain significance (1 of 4 stars; one submission).

Conditions:
Ectodermal dysplasia and immunodeficiency 2. Identifiers: Orphanet 238468, Orphanet 98813, MedGen C2677481, MONDO:0012806, OMIM 612132.

Submission:

Labcorp Genetics (formerly Invitae), Labcorp
Classification: Uncertain significance for Ectodermal dysplasia and immunodeficiency 2. Last evaluated: 2025-10-26. Review status: criteria provided, single submitter. Criteria: Invitae Variant Classification Sherloc (09022015). Collection method: clinical testing. Allele origin: germline.
Comment: This sequence change disrupts the translational stop signal of the NFKBIA mRNA. It is expected to extend the length of the NFKBIA protein by 5 additional amino acid residues. This variant is not present in population databases (gnomAD no frequency). This variant has not been reported in the literature in individuals affected with NFKBIA-related conditions. Experimental studies and prediction algorithms are not available or were not evaluated, and the functional significance of this variant is currently unknown. In summary, the available evidence is currently insufficient to determine the role of this variant in disease. Therefore, it has been classified as a Variant of Uncertain Significance.